The following is an entry in ClinVar:

ClinVar aggregate classification (germline): Likely benign. Review status: criteria provided, multiple submitters, no conflicts (2 of 4 stars). 2 submissions from 2 submitters: Likely benign (2). Last evaluated 2023-12-22.

Conditions:
Cardiovascular phenotype. Identifiers: MedGen CN230736.

Allele frequency attached by ClinVar (database versions not stated): gnomAD exomes below 0.00001.
gnomAD v4.1: 1 of 1,614,156 alleles (0.000062%); highest among the groups gnomAD compares: Non-Finnish European, 0.000085%; no homozygotes.

Submissions (2):

Ambry Genetics
Classification: Likely benign for Cardiovascular phenotype. Last evaluated: 2023-12-22. Review status: criteria provided, single submitter. Criteria: Ambry Variant Classification Scheme 2023. Collection method: clinical testing. Allele origin: germline.

GeneDx
Classification: Likely benign. Last evaluated: 2015-10-16. Review status: criteria provided, single submitter. Criteria: GeneDx Variant Classification (06012015). Collection method: clinical testing. Allele origin: germline. Affected: yes.
Comment: This variant is considered likely benign or benign based on one or more of the following criteria: it is a conservative change, it occurs at a poorly conserved position in the protein, it is predicted to be benign by multiple in silico algorithms, and/or has population frequency not consistent with disease.

NM_001148.6(ANK2):c.3483C>T (p.Ser1161=)

Gene: ANK2 (ankyrin 2; plus strand). Cytogenetic location: 4q26.
Variant type: single nucleotide variant.
Coding change: c.3483C>T on transcript NM_001148.6 (MANE Select); coding-DNA position 3483, C replaced by T.
Protein change: p.Ser1161=; no amino-acid change (serine 1161 retained).
Molecular consequence: synonymous variant.
Genome position (GRCh38, 1-based): chr4:113,335,949, C>T. VCF-style: chr4-113335949-C-T. GRCh37 (hg19) VCF-style: chr4-114257105-C-T.
Other names: c.3456C>T, p.Ser1152= (NM_001127493.3); c.3495C>T, p.Ser1165= (NM_001354225.2); c.3384C>T, p.Ser1128= (NM_001354228.2, NM_001354258.2); c.3462C>T, p.Ser1154= (NM_001354230.2); c.3525C>T, p.Ser1175= (NM_001354231.2, NM_001354242.2); c.3519C>T, p.Ser1173= (NM_001354232.2); c.3480C>T, p.Ser1160= (NM_001354235.2, NM_001354246.2, NM_001354265.2); c.3381C>T, p.Ser1127= (NM_001354236.2); and 30 more.
Identifiers: ClinVar variation 380684 (VCV000380684.2), dbSNP rs1057520881, ClinGen allele CA16604558.